The following is an entry in ClinVar:

NM_015215.4(CAMTA1):c.4977G>T (p.Arg1659Ser)

Gene: CAMTA1 (calmodulin binding transcription activator 1; plus strand). Cytogenetic location: 1p36.23.
Variant type: single nucleotide variant.
Coding change: c.4977G>T on transcript NM_015215.4 (MANE Select); coding-DNA position 4977, G replaced by T.
Protein change: p.Arg1659Ser; replaces arginine 1659 with serine.
Molecular consequence: missense variant. On other transcripts: intron variant (8).
Genome position (GRCh38, 1-based): chr1:7,755,656, G>T. VCF-style: chr1-7755656-G-T. GRCh37 (hg19) VCF-style: chr1-7815716-G-T.
Other names: c.4887G>T, p.Arg1629Ser (NM_001349608.2); c.4653G>T, p.Arg1551Ser (NM_001349610.2); c.4569G>T, p.Arg1523Ser (NM_001349612.2); c.2070G>T, p.Arg690Ser (NM_001349616.2); c.2049G>T, p.Arg683Ser (NM_001349617.1, NM_001349618.2); c.1731G>T, p.Arg577Ser (NM_001349619.2, NM_001349620.1); c.1710G>T, p.Arg570Ser (NM_001349625.2, NM_001349626.2); c.4640+3123G>T (NM_001349609.2); and 4 more; short protein forms R1659S, R683S, R1551S, R570S, R577S, R1523S, R1629S, R690S.
Identifiers: ClinVar variation 1031886 (VCV001031886.8), dbSNP rs373331254, ClinGen allele CA567309.

ClinVar aggregate classification (germline): Uncertain significance. Review status: criteria provided, multiple submitters, no conflicts (2 of 4 stars). 3 submissions from 3 submitters: Uncertain significance (3). Last evaluated 2025-09-10.

Conditions:
Cerebellar dysfunction with variable cognitive and behavioral abnormalities (CECBA). Also called: Nonprogressive cerebellar atxia with intellectual disability. Identifiers: Orphanet 314647, MedGen C3553661, MONDO:0013886, OMIM 614756.
Inborn genetic diseases. Identifiers: MedGen C0950123, MeSH D030342.

Allele frequency attached by ClinVar (database versions not stated): ExAC 0.00002; gnomAD exomes 0.00002 and 0.00003; TOPMed 0.00002; gnomAD 0.00003 and 0.00004; ESP Exome Variant Server 0.00015.
gnomAD v4.1: 46 of 1,613,756 alleles (0.0029%); highest among the groups gnomAD compares: Non-Finnish European, 0.0036%; no homozygotes.

Submissions (3):

Ambry Genetics
Classification: Uncertain significance for Inborn genetic diseases. Last evaluated: 2025-09-10. Review status: criteria provided, single submitter. Criteria: Ambry Variant Classification Scheme 2023. Collection method: clinical testing. Allele origin: germline.

Labcorp Genetics (formerly Invitae), Labcorp
Classification: Uncertain significance. Last evaluated: 2024-10-24. Review status: criteria provided, single submitter. Criteria: Invitae Variant Classification Sherloc (09022015). Collection method: clinical testing. Allele origin: germline.
Comment: This sequence change replaces arginine, which is basic and polar, with serine, which is neutral and polar, at codon 1659 of the CAMTA1 protein (p.Arg1659Ser). This variant is present in population databases (rs373331254, gnomAD 0.005%). This variant has not been reported in the literature in individuals affected with CAMTA1-related conditions. ClinVar contains an entry for this variant (Variation ID: 1031886). An algorithm developed to predict the effect of missense changes on protein structure and function (PolyPhen-2) suggests that this variant is likely to be disruptive. In summary, the available evidence is currently insufficient to determine the role of this variant in disease. Therefore, it has been classified as a Variant of Uncertain Significance.

Baylor Genetics
Classification: Uncertain significance for Cerebellar dysfunction with variable cognitive and behavioral abnormalities. Last evaluated: 2018-09-27. Review status: criteria provided, single submitter. Criteria: ACMG Guidelines, 2015. Collection method: clinical testing. Allele origin: unknown. Affected: yes.
Comment: This variant was determined to be of uncertain significance according to ACMG Guidelines, 2015 [PMID:25741868].